The following is an entry in ClinVar:

ClinVar aggregate classification (germline): Uncertain significance (1 of 4 stars; one submission).

gnomAD v4.1: 4 of 1,610,052 alleles (0.00025%); highest among the groups gnomAD compares: Middle Eastern, 0.017%; no homozygotes.

Submission:

Labcorp Genetics (formerly Invitae), Labcorp
Classification: Uncertain significance. Last evaluated: 2024-03-15. Review status: criteria provided, single submitter. Criteria: Invitae Variant Classification Sherloc (09022015). Collection method: clinical testing. Allele origin: germline.
Comment: This sequence change replaces glutamine, which is neutral and polar, with arginine, which is basic and polar, at codon 82 of the FGFRL1 protein (p.Gln82Arg). This variant is present in population databases (no rsID available, gnomAD 0.0009%). This variant has not been reported in the literature in individuals affected with FGFRL1-related conditions. An algorithm developed to predict the effect of missense changes on protein structure and function (PolyPhen-2) suggests that this variant is likely to be tolerated. In summary, the available evidence is currently insufficient to determine the role of this variant in disease. Therefore, it has been classified as a Variant of Uncertain Significance.

NM_001004356.3(FGFRL1):c.245A>G (p.Gln82Arg)

Gene: FGFRL1 (fibroblast growth factor receptor like 1; plus strand). Cytogenetic location: 4p16.3.
Variant type: single nucleotide variant.
Coding change: c.245A>G on transcript NM_001004356.3 (MANE Select); coding-DNA position 245, A replaced by G.
Protein change: p.Gln82Arg; replaces glutamine 82 with arginine.
Molecular consequence: missense variant.
Genome position (GRCh38, 1-based): chr4:1,022,368, A>G. VCF-style: chr4-1022368-A-G. GRCh37 (hg19) VCF-style: chr4-1016156-A-G.
Other names: c.245A>G, p.Gln82Arg (NM_001004358.1, NM_001370296.1, NM_021923.3); short protein forms Q82R.
Identifiers: ClinVar variation 3681061 (VCV003681061.2).
Genomic context (GRCh38, chr4:1,022,368, plus strand): 5'-TGTGGACCAAGGATGGCCGCACCATCCACAGCGGCTGGAGCCGCTTCCGCGTGCTGCCGC[A>G]GGGGCTGAAGGTGAAGCAGGTGGAGCGGGAGGATGCCGGCGTGTACGTGTGCAAGGCCAC-3'
Protein context (NP_001004356.1, residues 72-92): SGWSRFRVLP[Gln82Arg]GLKVKQVERE